The following is an entry in ClinVar:

ClinVar aggregate classification (germline): Pathogenic (1 of 4 stars; one submission).

Conditions:
Bloom syndrome (BLM). Also called: Bloom-Torre-Machacek syndrome. Identifiers: Orphanet 125, MedGen C0005859, MONDO:0008876, OMIM 210900.

Submission:

Labcorp Genetics (formerly Invitae), Labcorp
Classification: Pathogenic for Bloom syndrome. Last evaluated: 2024-08-29. Review status: criteria provided, single submitter. Criteria: Invitae Variant Classification Sherloc (09022015). Collection method: clinical testing. Allele origin: germline.
Comment: This sequence change creates a premature translational stop signal (p.Gln1178*) in the BLM gene. It is expected to result in an absent or disrupted protein product. Loss-of-function variants in BLM are known to be pathogenic (PMID: 17407155). This variant is not present in population databases (gnomAD no frequency). This variant has not been reported in the literature in individuals affected with BLM-related conditions. For these reasons, this variant has been classified as Pathogenic.

Literature cited by the submitters: PubMed 17407155.

NM_000057.4(BLM):c.3532C>T (p.Gln1178Ter)

Gene: BLM (BLM RecQ like helicase; plus strand). Cytogenetic location: 15q26.1.
Variant type: single nucleotide variant.
Coding change: c.3532C>T on transcript NM_000057.4 (MANE Select); coding-DNA position 3532, C replaced by T.
Protein change: p.Gln1178Ter; replaces glutamine 1178 with a stop codon.
Molecular consequence: nonsense. On other transcripts: intron variant (1).
Genome position (GRCh38, 1-based): chr15:90,803,694, C>T. VCF-style: chr15-90803694-C-T. GRCh37 (hg19) VCF-style: chr15-91346924-C-T.
Other names: c.3532C>T, p.Gln1178Ter (NM_001287246.2); c.2407C>T, p.Gln803Ter (NM_001287248.2); c.3358+5357C>T (NM_001287247.2); short protein forms Q803*, Q1178*.
Identifiers: ClinVar variation 3663993 (VCV003663993.2).
Genomic context (GRCh38, chr15:90,803,694, plus strand): 5'-GACTTATATATCAATGCCAATGACCAGGCGATCGCTTATGTGATGCTCGGAAATAAAGCC[C>T]AAACTGTACTAAATGGCAATTTAAAGGTATAGTATTTTTCATGTTTATTTTATTATCTCA-3'